The following is an entry in ClinVar:

NM_005032.7(PLS3):c.1184-2A>G

Gene: PLS3 (plastin 3; plus strand). Cytogenetic location: Xq23.
Variant type: single nucleotide variant.
Coding change: c.1184-2A>G on transcript NM_005032.7 (MANE Select); the canonical splice acceptor site of the intron before coding-DNA position 1184, A replaced by G.
Molecular consequence: splice acceptor variant.
Genome position (GRCh38, 1-based): chrX:115,645,019, A>G. VCF-style: chrX-115645019-A-G. GRCh37 (hg19) VCF-style: chrX-114879339-A-G.
Other names: c.1145-2A>G (NM_001282337.2); c.1049-2A>G (NM_001282338.2); c.1184-2A>G (NM_001136025.5); c.1103-2A>G (NM_001172335.3).
Identifiers: ClinVar variation 3619088 (VCV003619088.2).

ClinVar aggregate classification (germline): Likely pathogenic (1 of 4 stars; one submission).

gnomAD v4.1: 1 of 1,162,356 alleles (0.000086%); highest among the groups gnomAD compares: Non-Finnish European, 0.00012%; no homozygotes.

Submission:

Labcorp Genetics (formerly Invitae), Labcorp
Classification: Likely pathogenic. Last evaluated: 2025-02-25. Review status: criteria provided, single submitter. Criteria: Invitae Variant Classification Sherloc (09022015). Collection method: clinical testing. Allele origin: germline.
Comment: This sequence change affects an acceptor splice site in intron 10 of the PLS3 gene. It is expected to disrupt RNA splicing. Variants that disrupt the donor or acceptor splice site typically lead to a loss of protein function (PMID: 16199547), and loss-of-function variants in PLS3 are known to be pathogenic (PMID: 24088043, 30405713, 33166085). This variant is not present in population databases (gnomAD no frequency). This variant has not been reported in the literature in individuals affected with PLS3-related conditions. Algorithms developed to predict the effect of sequence changes on RNA splicing suggest that this variant may disrupt the consensus splice site. In summary, the currently available evidence indicates that the variant is pathogenic, but additional data are needed to prove that conclusively. Therefore, this variant has been classified as Likely Pathogenic.

Literature cited by the submitters: PubMed 16199547; PubMed 24088043; PubMed 30405713; PubMed 33166085.